The following is an entry in ClinVar:

NM_002458.3(MUC5B):c.10824C>A (p.Val3608=)

Genes: MUC5B (mucin 5B, oligomeric mucus/gel-forming; plus strand), MUC5B-AS1 (MUC5B antisense RNA 1; minus strand). Cytogenetic location: 11p15.5.
Variant type: single nucleotide variant.
Coding change: c.10824C>A on transcript NM_002458.3 (MANE Select); coding-DNA position 10824, C replaced by A.
Protein change: p.Val3608=; no amino-acid change (valine 3608 retained).
Molecular consequence: synonymous variant.
Genome position (GRCh38, 1-based): chr11:1,247,704, C>A. VCF-style: chr11-1247704-C-A. GRCh37 (hg19) VCF-style: chr11-1268934-C-A.
Other names: NC_000011.9:g.1268934C>A.
Identifiers: ClinVar variation 2641269 (VCV002641269.25), dbSNP rs181429615, ClinGen allele CA5807467.

ClinVar aggregate classification (germline): Likely benign (1 of 4 stars; one submission).

Allele frequency attached by ClinVar (database versions not stated): ExAC 0.00232; gnomAD 0.00264; ESP Exome Variant Server 0.00272; 1000 Genomes Project 30x 0.00281; TOPMed 0.00289; 1000 Genomes Project 0.00319.
gnomAD v4.1: 5,115 of 1,583,926 alleles (0.32%); highest among the groups gnomAD compares: Admixed American, 0.56%; 293 homozygotes.

Submissions (3):

CeGaT Center for Human Genetics Tuebingen
Classification: Likely benign. Last evaluated: 2026-07-01. Review status: criteria provided, single submitter. Criteria: CeGaT Center For Human Genetics Tuebingen Variant Classification Criteria Version 2. Collection method: clinical testing. Allele origin: germline. Affected: yes. Observed: 14 variant alleles.
Comment: MUC5B: BP4, BP7, BS2

Dr. Peter K. Rogan Lab, Western University
No classification provided (evidence only). Condition: Clear cell carcinoma of kidney. Review status: no classification provided. Collection method: in vitro. Allele origin: not applicable. Functional consequence: retained intron. Not counted in ClinVar's aggregate classification.

Dr. Peter K. Rogan Lab, Western University
No classification provided (evidence only). Condition: Ovarian serous cystadenocarcinoma. Review status: no classification provided. Collection method: in vitro. Allele origin: not applicable. Functional consequence: retained intron. Not counted in ClinVar's aggregate classification.